The following is an entry in ClinVar:

ClinVar aggregate classification (germline): Uncertain significance (1 of 4 stars; one submission).

Allele frequency attached by ClinVar (database versions not stated): gnomAD exomes below 0.00001.
gnomAD v4.1: 2 of 1,458,752 alleles (0.00014%); highest among the groups gnomAD compares: Non-Finnish European, 0.000091%; no homozygotes.

Submission:

Labcorp Genetics (formerly Invitae), Labcorp
Classification: Uncertain significance. Last evaluated: 2022-08-03. Review status: criteria provided, single submitter. Criteria: Invitae Variant Classification Sherloc (09022015). Collection method: clinical testing. Allele origin: germline.
Comment: In summary, the available evidence is currently insufficient to determine the role of this variant in disease. Therefore, it has been classified as a Variant of Uncertain Significance. Algorithms developed to predict the effect of missense changes on protein structure and function (SIFT, PolyPhen-2, Align-GVGD) all suggest that this variant is likely to be tolerated. This variant has not been reported in the literature in individuals affected with P4HB-related conditions. This variant is not present in population databases (gnomAD no frequency). This sequence change replaces histidine, which is basic and polar, with tyrosine, which is neutral and polar, at codon 25 of the P4HB protein (p.His25Tyr).

NM_000918.4(P4HB):c.73C>T (p.His25Tyr)

Gene: P4HB (prolyl 4-hydroxylase subunit beta; minus strand). Cytogenetic location: 17q25.3.
Variant type: single nucleotide variant.
Coding change: c.73C>T on transcript NM_000918.4 (MANE Select); coding-DNA position 73, C replaced by T.
Protein change: p.His25Tyr; replaces histidine 25 with tyrosine.
Molecular consequence: missense variant.
Genome position (GRCh38, 1-based): chr17:81,860,399, G>A on the plus strand (C>T on the coding strand, the complement: P4HB is on the minus strand). VCF-style: chr17-81860399-G-A. GRCh37 (hg19) VCF-style: chr17-79818275-G-A.
Other names: short protein forms H25Y.
Identifiers: ClinVar variation 1714886 (VCV001714886.5), dbSNP rs2509962648, ClinGen allele CA401518599.